The following is an entry in ClinVar:

NM_001009944.3(PKD1):c.862C>T (p.Gln288Ter)

Gene: PKD1 (polycystin 1, transient receptor potential channel interacting; minus strand). Cytogenetic location: 16p13.3.
Variant type: single nucleotide variant.
Coding change: c.862C>T on transcript NM_001009944.3 (MANE Select); coding-DNA position 862, C replaced by T.
Protein change: p.Gln288Ter; replaces glutamine 288 with a stop codon.
Molecular consequence: nonsense.
Genome position (GRCh38, 1-based): chr16:2,118,130, G>A on the plus strand (C>T on the coding strand, the complement: PKD1 is on the minus strand). VCF-style: chr16-2118130-G-A. GRCh37 (hg19) VCF-style: chr16-2168131-G-A.
Other names: c.862C>T, p.Gln288Ter (NM_000296.4); short protein forms Q288*.
Identifiers: ClinVar variation 1878915 (VCV001878915.1), dbSNP rs2544879145, ClinGen allele CA394393981.

ClinVar aggregate classification (germline): Pathogenic (1 of 4 stars; one submission).

Submission:

GeneDx
Classification: Pathogenic. Last evaluated: 2022-07-15. Review status: criteria provided, single submitter. Criteria: GeneDx Variant Classification Process June 2021. Collection method: clinical testing. Allele origin: germline. Affected: yes.
Comment: Nonsense variant predicted to result in protein truncation or nonsense mediated decay in a gene for which loss of function is a known mechanism of disease; Not observed at significant frequency in large population cohorts (gnomAD); This variant is associated with the following publications: (PMID: 31056860, 22008521)